The following is an entry in ClinVar:

ClinVar aggregate classification (germline): Uncertain significance. Review status: criteria provided, multiple submitters, no conflicts (2 of 4 stars). 3 submissions from 3 submitters: Uncertain significance (2). 1 of the submissions does not count toward it. Last evaluated 2026-01-01.

Conditions:
Tuberous sclerosis 2 (TSC2). Identifiers: Orphanet 805, MedGen C1860707, MONDO:0013199, OMIM 613254.

Allele frequency attached by ClinVar (database versions not stated): gnomAD exomes below 0.00001.
gnomAD v4.1: 2 of 1,613,372 alleles (0.00012%); highest among the groups gnomAD compares: Non-Finnish European, 0.00017%; no homozygotes.

Submissions (3):

CeGaT Center for Human Genetics Tuebingen
Classification: Uncertain significance. Last evaluated: 2026-01-01. Review status: criteria provided, single submitter. Criteria: CeGaT Center For Human Genetics Tuebingen Variant Classification Criteria Version 2. Collection method: clinical testing. Allele origin: germline. Affected: yes. Observed: 2 variant alleles.
Comment: TSC2: PM2, PP4

Labcorp Genetics (formerly Invitae), Labcorp
Classification: Uncertain significance for Tuberous sclerosis 2. Last evaluated: 2025-06-08. Review status: criteria provided, single submitter. Criteria: Invitae Variant Classification Sherloc (09022015). Collection method: clinical testing. Allele origin: germline.
Comment: This sequence change replaces leucine, which is neutral and non-polar, with proline, which is neutral and non-polar, at codon 575 of the TSC2 protein (p.Leu575Pro). This variant is not present in population databases (gnomAD no frequency). This missense change has been observed in individual(s) with seizures (PMID: 31780880). ClinVar contains an entry for this variant (Variation ID: 573399). Invitae Evidence Modeling of protein sequence and biophysical properties (such as structural, functional, and spatial information, amino acid conservation, physicochemical variation, residue mobility, and thermodynamic stability) has been performed for this missense variant. However, the output from this modeling did not meet the statistical confidence thresholds required to predict the impact of this variant on TSC2 protein function. In summary, the available evidence is currently insufficient to determine the role of this variant in disease. Therefore, it has been classified as a Variant of Uncertain Significance.

Gharavi Laboratory, Columbia University
Classification: Uncertain significance. Last evaluated: 2018-09-16. Review status: no assertion criteria provided. Criteria: ACMG Guidelines, 2015. Collection method: research. Allele origin: germline. Affected: yes. Not counted in ClinVar's aggregate classification.

Literature cited by the submitters: PubMed 31780880 (cited by Labcorp Genetics (formerly Invitae), Labcorp).

NM_000548.5(TSC2):c.1724T>C (p.Leu575Pro)

Gene: TSC2 (TSC complex subunit 2; plus strand). Cytogenetic location: 16p13.3.
Variant type: single nucleotide variant.
Coding change: c.1724T>C on transcript NM_000548.5 (MANE Select); coding-DNA position 1724, T replaced by C.
Protein change: p.Leu575Pro; replaces leucine 575 with proline.
Molecular consequence: missense variant.
Genome position (GRCh38, 1-based): chr16:2,070,463, T>C. VCF-style: chr16-2070463-T-C. GRCh37 (hg19) VCF-style: chr16-2120464-T-C.
Other names: c.1577T>C, p.Leu526Pro (NM_001318829.2); c.1124T>C, p.Leu375Pro (NM_001318831.2); c.1757T>C, p.Leu586Pro (NM_001318832.2); c.1724T>C, p.Leu575Pro (NM_001363528.2, NM_001370404.1, NM_001370405.1 and 3 more transcripts); c.1613T>C, p.Leu538Pro (NM_001318827.2); short protein forms L575P, L375P, L586P, L526P, L538P.
Identifiers: ClinVar variation 573399 (VCV000573399.15), dbSNP rs1567456901, ClinGen allele CA394272664.